The following is an entry in ClinVar:

NM_015338.6(ASXL1):c.4079C>T (p.Pro1360Leu)

Gene: ASXL1 (ASXL transcriptional regulator 1; plus strand). Cytogenetic location: 20q11.21.
Variant type: single nucleotide variant.
Coding change: c.4079C>T on transcript NM_015338.6 (MANE Select); coding-DNA position 4079, C replaced by T.
Protein change: p.Pro1360Leu; replaces proline 1360 with leucine.
Molecular consequence: missense variant.
Genome position (GRCh38, 1-based): chr20:32,436,791, C>T. VCF-style: chr20-32436791-C-T. GRCh37 (hg19) VCF-style: chr20-31024594-C-T.
Other names: c.3896C>T, p.Pro1299Leu (NM_001363734.1); short protein forms P1299L, P1360L.
Identifiers: ClinVar variation 1316385 (VCV001316385.5), dbSNP rs750648431, ClinGen allele CA9808959.

ClinVar aggregate classification (germline): Uncertain significance. Review status: criteria provided, multiple submitters, no conflicts (2 of 4 stars). 3 submissions from 3 submitters: Uncertain significance (3). Last evaluated 2025-10-26.

Conditions:
Inborn genetic diseases. Identifiers: MedGen C0950123, MeSH D030342.

Allele frequency attached by ClinVar (database versions not stated): gnomAD exomes below 0.00001; ExAC 0.00001.
gnomAD v4.1: 2 of 1,614,208 alleles (0.00012%); highest among the groups gnomAD compares: Admixed American, 0.0017%; no homozygotes.

Submissions (3):

Ambry Genetics
Classification: Uncertain significance for Inborn genetic diseases. Last evaluated: 2025-10-26. Review status: criteria provided, single submitter. Criteria: Ambry Variant Classification Scheme 2023. Collection method: clinical testing. Allele origin: germline.
Comment: The p.P1360L variant (also known as c.4079C>T), located in coding exon 13 of the ASXL1 gene, results from a C to T substitution at nucleotide position 4079. The proline at codon 1360 is replaced by leucine, an amino acid with similar properties. This amino acid position is conserved. In addition, this alteration is predicted to be tolerated by in silico analysis. Based on the available evidence, the clinical significance of this variant remains unclear.

Labcorp Genetics (formerly Invitae), Labcorp
Classification: Uncertain significance. Last evaluated: 2024-08-12. Review status: criteria provided, single submitter. Criteria: Invitae Variant Classification Sherloc (09022015). Collection method: clinical testing. Allele origin: germline.
Comment: This sequence change replaces proline, which is neutral and non-polar, with leucine, which is neutral and non-polar, at codon 1360 of the ASXL1 protein (p.Pro1360Leu). This variant is present in population databases (rs750648431, gnomAD 0.0009%). This variant has not been reported in the literature in individuals affected with ASXL1-related conditions. ClinVar contains an entry for this variant (Variation ID: 1316385). An algorithm developed to predict the effect of missense changes on protein structure and function (PolyPhen-2) suggests that this variant is likely to be tolerated. In summary, the available evidence is currently insufficient to determine the role of this variant in disease. Therefore, it has been classified as a Variant of Uncertain Significance.

GeneDx
Classification: Uncertain significance. Last evaluated: 2019-11-18. Review status: criteria provided, single submitter. Criteria: GeneDx Variant Classification Process June 2021. Collection method: clinical testing. Allele origin: germline. Affected: yes.
Comment: In silico analysis, which includes protein predictors and evolutionary conservation, supports a deleterious effect; Has not been previously published as pathogenic or benign to our knowledge